The following is an entry in ClinVar:

NM_004366.6(CLCN2):c.932G>A (p.Arg311Gln)

Gene: CLCN2 (chloride voltage-gated channel 2; minus strand). Cytogenetic location: 3q27.1.
Variant type: single nucleotide variant.
Coding change: c.932G>A on transcript NM_004366.6 (MANE Select); coding-DNA position 932, G replaced by A.
Protein change: p.Arg311Gln; replaces arginine 311 with glutamine.
Molecular consequence: missense variant.
Genome position (GRCh38, 1-based): chr3:184,357,233, C>T on the plus strand (G>A on the coding strand, the complement: CLCN2 is on the minus strand). VCF-style: chr3-184357233-C-T. GRCh37 (hg19) VCF-style: chr3-184075021-C-T.
Other names: c.932G>A, p.Arg311Gln (NM_001171087.3, NM_001171089.3); c.800G>A, p.Arg267Gln (NM_001171088.3); short protein forms R267Q, R311Q.
Identifiers: ClinVar variation 1429857 (VCV001429857.7), dbSNP rs1382714741, ClinGen allele CA355454174.

ClinVar aggregate classification (germline): Uncertain significance. Review status: criteria provided, multiple submitters, no conflicts (2 of 4 stars). 2 submissions from 2 submitters: Uncertain significance (2). Last evaluated 2024-10-15.

Conditions:
Epilepsy, idiopathic generalized, susceptibility to, 11 (EIG11). Identifiers: Orphanet 307, MedGen C2750893, MONDO:0011875, OMIM 607628.
Leukoencephalopathy with mild cerebellar ataxia and white matter edema (LKPAT). Also called: Leukoencephalopathy with ataxia; CLCN2-Related Leukoencephalopathy; Leukoencephalopathy with white matter edema; Brain white matter edema. Identifiers: Orphanet 363540, MedGen C4554120, MONDO:0014292, OMIM 615651. Disease mechanism: loss of function.
Familial hyperaldosteronism type II. Also called: FH II. Identifiers: Orphanet 404, MedGen C1854107, MONDO:0011576, OMIM 605635.

Allele frequency attached by ClinVar (database versions not stated): gnomAD 0.00001; gnomAD exomes 0.00001; TOPMed 0.00001.
gnomAD v4.1: 39 of 1,613,852 alleles (0.0024%); highest among the groups gnomAD compares: Non-Finnish European, 0.0031%; no homozygotes.

Submissions (2):

Labcorp Genetics (formerly Invitae), Labcorp
Classification: Uncertain significance. Last evaluated: 2024-10-15. Review status: criteria provided, single submitter. Criteria: Invitae Variant Classification Sherloc (09022015). Collection method: clinical testing. Allele origin: germline.
Comment: This sequence change replaces arginine, which is basic and polar, with glutamine, which is neutral and polar, at codon 311 of the CLCN2 protein (p.Arg311Gln). This variant is present in population databases (no rsID available, gnomAD 0.0009%). This variant has not been reported in the literature in individuals affected with CLCN2-related conditions. ClinVar contains an entry for this variant (Variation ID: 1429857). Invitae Evidence Modeling of protein sequence and biophysical properties (such as structural, functional, and spatial information, amino acid conservation, physicochemical variation, residue mobility, and thermodynamic stability) indicates that this missense variant is not expected to disrupt CLCN2 protein function with a negative predictive value of 80%. In summary, the available evidence is currently insufficient to determine the role of this variant in disease. Therefore, it has been classified as a Variant of Uncertain Significance.

Fulgent Genetics
Classification: Uncertain significance for Familial hyperaldosteronism type II; Epilepsy, idiopathic generalized, susceptibility to, 11; Leukoencephalopathy with mild cerebellar ataxia and white matter edema. Last evaluated: 2024-06-14. Review status: criteria provided, single submitter. Criteria: ACMG Guidelines, 2015. Collection method: clinical testing. Allele origin: germline.